The following is an entry in ClinVar:

ClinVar aggregate classification (germline): Benign. Review status: criteria provided, multiple submitters, no conflicts (2 of 4 stars). 2 submissions from 2 submitters: Benign (2). Last evaluated 2018-01-13.

Conditions:
Fibrous dysplasia of jaw (CRBM). Also called: Cherubism. Identifiers: Orphanet 184, MedGen C0008029, MONDO:0007315, OMIM 118400.

Allele frequency attached by ClinVar (database versions not stated): 1000 Genomes Project 0.00379; gnomAD 0.00393 and 0.00411; 1000 Genomes Project 30x 0.00422; TOPMed 0.00504.

Submissions (2):

Illumina Laboratory Services, Illumina
Classification: Benign for Fibrous dysplasia of jaw. Last evaluated: 2018-01-13. Review status: criteria provided, single submitter. Criteria: ICSL Variant Classification Criteria 13 December 2019. Collection method: clinical testing. Allele origin: germline.
Comment: This variant was observed in the ICSL laboratory as part of a predisposition screen in an ostensibly healthy population. It had not been previously curated by ICSL or reported in the Human Gene Mutation Database (HGMD: prior to June 1st, 2018), and was therefore a candidate for classification through an automated scoring system. Utilizing variant allele frequency, disease prevalence and penetrance estimates, and inheritance mode, an automated score was calculated to assess if this variant is too frequent to cause the disease. Based on the score and internal cut-off values, a variant classified as benign is not then subjected to further curation. The score for this variant resulted in a classification of benign for this disease.

Breakthrough Genomics
Classification: Benign. Review status: criteria provided, single submitter. Criteria: ACMG Guidelines, 2015. Collection method: not provided. Allele origin: germline. Inheritance: Autosomal dominant inheritance. Affected: yes.

NM_001122681.2(SH3BP2):c.*7181A>G

Gene: SH3BP2 (SH3 domain binding protein 2; plus strand). Cytogenetic location: 4p16.3.
Variant type: single nucleotide variant.
Coding change: c.*7181A>G on transcript NM_001122681.2 (MANE Select); 7181 bases downstream of the stop codon, A replaced by G.
Molecular consequence: 3 prime UTR variant.
Genome position (GRCh38, 1-based): chr4:2,841,015, A>G. VCF-style: chr4-2841015-A-G. GRCh37 (hg19) VCF-style: chr4-2842742-A-G.
Other names: c.*7181A>G (LRG_1334t2, LRG_1334t1, NM_001145855.2 and 2 more transcripts).
Identifiers: ClinVar variation 348720 (VCV000348720.6), dbSNP rs143508871, ClinGen allele CA10620959.